The following is an entry in ClinVar:

ClinVar aggregate classification (germline): Benign/Likely benign. Review status: criteria provided, multiple submitters, no conflicts (2 of 4 stars). 5 submissions from 5 submitters: Benign (1); Likely benign (3). 1 of the submissions does not count toward it. Last evaluated 2026-02-01.

Conditions:
Xeroderma pigmentosum, group G (XPG). Also called: ERCC5-Related Xeroderma Pigmentosum; XP, GROUP G; Xeroderma pigmentosum type 7; XERODERMA PIGMENTOSUM VII. Identifiers: MedGen C0268141, MONDO:0010216, OMIM 278780.

Allele frequency attached by ClinVar (database versions not stated): ESP Exome Variant Server 0.00077; gnomAD exomes 0.00198 and 0.00782; gnomAD 0.00325 and 0.00340; TOPMed 0.00459; 1000 Genomes Project 0.00559; ExAC 0.00607; 1000 Genomes Project 30x 0.00640.
gnomAD v4.1: 3,404 of 1,614,156 alleles (0.21%); highest among the groups gnomAD compares: Admixed American, 3.6%; 64 homozygotes.

Submissions (5):

Labcorp Genetics (formerly Invitae), Labcorp
Classification: Benign. Last evaluated: 2026-02-01. Review status: criteria provided, single submitter. Criteria: Invitae Variant Classification Sherloc (09022015). Collection method: clinical testing. Allele origin: germline.

GeneDx
Classification: Likely benign. Last evaluated: 2020-09-11. Review status: criteria provided, single submitter. Criteria: GeneDx Variant Classification Process June 2021. Collection method: clinical testing. Allele origin: germline. Affected: yes.

Illumina Laboratory Services, Illumina
Classification: Likely benign for Xeroderma pigmentosum, group G. Last evaluated: 2017-04-27. Review status: criteria provided, single submitter. Criteria: ICSL Variant Classification Criteria 13 December 2019. Collection method: clinical testing. Allele origin: germline.
Comment: This variant was observed as part of a predisposition screen in an ostensibly healthy population. A literature search was performed for the gene, cDNA change, and amino acid change (where applicable). Publications were found based on this search. The evidence from the literature, in combination with allele frequency data from public databases where available, was sufficient to determine this variant is unlikely to cause disease. Therefore, this variant is classified as likely benign.

Breakthrough Genomics
Classification: Likely benign. Review status: criteria provided, single submitter. Criteria: ACMG Guidelines, 2015. Collection method: not provided. Allele origin: germline. Inheritance: Autosomal recessive inheritance. Affected: yes.

ITMI
No classification provided. Condition: AllHighlyPenetrant. Last evaluated: 2013-09-19. Review status: no classification provided. Collection method: reference population. Allele origin: germline. Not counted in ClinVar's aggregate classification.
Comment: Please see associated publication for description of ethnicities

Literature cited by the submitters: PubMed 24728327 (cited by Illumina Laboratory Services, Illumina and ITMI).

NM_000123.4(ERCC5):c.1880C>A (p.Ala627Glu)

Genes: BIVM-ERCC5 (BIVM-ERCC5 readthrough; plus strand), ERCC5 (ERCC excision repair 5, endonuclease; plus strand). Cytogenetic location: 13q33.1.
Variant type: single nucleotide variant.
Coding change: c.1880C>A on transcript NM_000123.4 (MANE Select); coding-DNA position 1880, C replaced by A.
Protein change: p.Ala627Glu; replaces alanine 627 with glutamic acid.
Molecular consequence: missense variant.
Genome position (GRCh38, 1-based): chr13:102,863,029, C>A. VCF-style: chr13-102863029-C-A. GRCh37 (hg19) VCF-style: chr13-103515379-C-A.
Other names: c.3242C>A, p.Ala1081Glu (NM_001204425.2); short protein forms A627E, A1081E.
Identifiers: ClinVar variation 134192 (VCV000134192.17), dbSNP rs2227870, ClinGen allele CA159069.
Genomic context (GRCh38, chr13:102,863,029, plus strand): 5'-ATGCTAAAGAGCATGAGAATTTTCTGGAAACCATCCAAGAACAGCAGACCACTGAATCTG[C>A]AGGCCAGGATTTAATTTCCATTCCAAAGGCCGTGGAACCAATGGAAATTGACTCGGAAGA-3'
Protein context (NP_000114.3, residues 617-637): TIQEQQTTES[Ala627Glu]GQDLISIPKA